The following is an entry in ClinVar:

NM_002471.4(MYH6):c.5694C>G (p.Phe1898Leu)

Gene: MYH6 (myosin heavy chain 6; minus strand). Cytogenetic location: 14q11.2.
Variant type: single nucleotide variant.
Coding change: c.5694C>G on transcript NM_002471.4 (MANE Select); coding-DNA position 5694, C replaced by G.
Protein change: p.Phe1898Leu; replaces phenylalanine 1898 with leucine.
Molecular consequence: missense variant.
Genome position (GRCh38, 1-based): chr14:23,382,530, G>C on the plus strand (C>G on the coding strand, the complement: MYH6 is on the minus strand). VCF-style: chr14-23382530-G-C. GRCh37 (hg19) VCF-style: chr14-23851739-G-C.
Other names: short protein forms F1898L.
Identifiers: ClinVar variation 537945 (VCV000537945.18), dbSNP rs201199853, ClinGen allele CA7114301.
Genomic context (GRCh38, chr14:23,382,530, plus strand): 5'-CTGGGACTCAGCGATGTCCGCCCGCTCCTCTGCCTCATCCAGCTCATGCTGCACCTTGCG[G>C]AACTTGGACAGGTTGGTGTTGGCTTGCTCCTCCTGTGGTGGGACAGTGGGGATGGGTGAA-3'
Protein context (NP_002462.2, residues 1888-1908): EEQANTNLSK[Phe1898Leu]RKVQHELDEA

ClinVar aggregate classification (germline): Uncertain significance. Review status: criteria provided, multiple submitters, no conflicts (2 of 4 stars). 5 submissions from 5 submitters: Uncertain significance (3). 2 of the submissions do not count toward it. Last evaluated 2025-12-01.

Conditions:
MYH6-related disorder. Also called: MYH6-Related Disorders; MYH6-related condition.
Cardiovascular phenotype. Identifiers: MedGen CN230736.
Hypertrophic cardiomyopathy 14. Identifiers: MedGen C2750467, MONDO:0013197, OMIM 613251.

Allele frequency attached by ClinVar (database versions not stated): gnomAD 0.00002; TOPMed 0.00002.
gnomAD v4.1: 83 of 1,614,058 alleles (0.0051%); highest among the groups gnomAD compares: Non-Finnish European, 0.0068%; no homozygotes.

Submissions (5):

PreventionGenetics, part of Exact Sciences
Classification: Uncertain significance for MYH6-related condition. Last evaluated: 2025-12-01. Review status: criteria provided, single submitter. Criteria: ACMG Guidelines, 2015. Collection method: clinical testing. Allele origin: germline.
Comment: The MYH6 c.5694C>G variant is predicted to result in the amino acid substitution p.Phe1898Leu. This variant has been reported in an individual with dilated cardiomyopathy (Supplementary File 2, van Lint et al. 2019. PubMed ID: 30847666). This variant is reported in 0.0062% of alleles in individuals of European (Non-Finnish) descent in gnomAD and is interpreted as uncertain in ClinVar (Variation ID: 537945). An alternative nucleotide change resulting in the same amino acid alteration (c.5692T>C, p.Phe1898Leu) has also been reported in an individual with hypertrophic cardiomyopathy and sudden cardiac death (Arava et al. 2025. PubMed ID: 40617375). At this time, the clinical significance of the c.5694C>G, p.Phe1898Leu variant is uncertain due to the absence of conclusive functional and genetic evidence.

Ambry Genetics
Classification: Uncertain significance for Cardiovascular phenotype. Last evaluated: 2025-02-19. Review status: criteria provided, single submitter. Criteria: Ambry Variant Classification Scheme 2023. Collection method: clinical testing. Allele origin: germline.
Comment: The p.F1898L variant (also known as c.5694C>G), located in coding exon 36 of the MYH6 gene, results from a C to G substitution at nucleotide position 5694. The phenylalanine at codon 1898 is replaced by leucine, an amino acid with highly similar properties. This alteration has been reported in a cardiomyopathy genetic testing cohort; however, clinical details were limited, and additional cardiac variants were detected in some cases (van Lint FHM et al. Neth Heart J, 2019 Jun;27:304-309). In addition, a different alteration located at the same position, resulting in the same protein change, c.5694C>A (p.F1898L), has been reported in a rhabdomyolysis cohort (Kruijt N et al. Eur J Neurol, 2021 Feb;28:647-659). This amino acid position is highly conserved in available vertebrate species. In addition, this alteration is predicted to be tolerated by in silico analysis. Since supporting evidence is limited at this time, the clinical significance of this alteration remains unclear.

Labcorp Genetics (formerly Invitae), Labcorp
Classification: Uncertain significance for Hypertrophic cardiomyopathy 14. Last evaluated: 2023-12-06. Review status: criteria provided, single submitter. Criteria: Invitae Variant Classification Sherloc (09022015). Collection method: clinical testing. Allele origin: germline.
Comment: This sequence change replaces phenylalanine, which is neutral and non-polar, with leucine, which is neutral and non-polar, at codon 1898 of the MYH6 protein (p.Phe1898Leu). This variant is present in population databases (rs201199853, gnomAD 0.005%). This missense change has been observed in individual(s) with dilated cardiomyopathy (PMID: 30847666). ClinVar contains an entry for this variant (Variation ID: 537945). Advanced modeling of protein sequence and biophysical properties (such as structural, functional, and spatial information, amino acid conservation, physicochemical variation, residue mobility, and thermodynamic stability) performed at Invitae indicates that this missense variant is not expected to disrupt MYH6 protein function with a negative predictive value of 80%. In summary, the available evidence is currently insufficient to determine the role of this variant in disease. Therefore, it has been classified as a Variant of Uncertain Significance.

Clinical Genetics DNA and cytogenetics Diagnostics Lab, Erasmus MC, Erasmus Medical Center
Classification: Uncertain significance. Review status: no assertion criteria provided. Collection method: clinical testing. Allele origin: germline. Affected: yes. Study: VKGL Data-share Consensus. Not counted in ClinVar's aggregate classification.

Clinical Genetics, Academic Medical Center
Classification: Uncertain significance. Review status: no assertion criteria provided. Collection method: clinical testing. Allele origin: germline. Affected: yes. Study: VKGL Data-share Consensus. Not counted in ClinVar's aggregate classification.

Literature cited by the submitters: PubMed 30847666 (cited by Ambry Genetics and Labcorp Genetics (formerly Invitae), Labcorp); PubMed 32978841 (cited by Ambry Genetics).